The following is an entry in ClinVar:

NM_014974.3(DIP2C):c.3703G>A (p.Val1235Met)

Gene: DIP2C (DIP2 acetate--CoA ligase C (putative); minus strand). Cytogenetic location: 10p15.3.
Variant type: single nucleotide variant.
Coding change: c.3703G>A on transcript NM_014974.3 (MANE Select); coding-DNA position 3703, G replaced by A.
Protein change: p.Val1235Met; replaces valine 1235 with methionine.
Molecular consequence: missense variant.
Genome position (GRCh38, 1-based): chr10:329,483, C>T on the plus strand (G>A on the coding strand, the complement: DIP2C is on the minus strand). VCF-style: chr10-329483-C-T. GRCh37 (hg19) VCF-style: chr10-375423-C-T.
Other names: short protein forms V1235M.
Identifiers: ClinVar variation 2223192 (VCV002223192.5), dbSNP rs771254606, ClinGen allele CA5379835.

ClinVar aggregate classification (germline): Uncertain significance. Review status: criteria provided, multiple submitters, no conflicts (2 of 4 stars). 2 submissions from 2 submitters: Uncertain significance (2). Last evaluated 2025-11-19.

Conditions:
Inborn genetic diseases. Identifiers: MedGen C0950123, MeSH D030342.

Allele frequency attached by ClinVar (database versions not stated): TOPMed 0.00002; gnomAD 0.00003; gnomAD exomes 0.00006; ExAC 0.00007.
gnomAD v4.1: 89 of 1,614,196 alleles (0.0055%); highest among the groups gnomAD compares: South Asian, 0.054%; 2 homozygotes.

Submissions (2):

Labcorp Genetics (formerly Invitae), Labcorp
Classification: Uncertain significance. Last evaluated: 2025-11-19. Review status: criteria provided, single submitter. Criteria: Invitae Variant Classification Sherloc (09022015). Collection method: clinical testing. Allele origin: germline.
Comment: This sequence change replaces valine, which is neutral and non-polar, with methionine, which is neutral and non-polar, at codon 1235 of the DIP2C protein (p.Val1235Met). This variant is present in population databases (rs771254606, gnomAD 0.04%), and has an allele count higher than expected for a pathogenic variant. This variant has not been reported in the literature in individuals affected with DIP2C-related conditions. ClinVar contains an entry for this variant (Variation ID: 2223192). An algorithm developed to predict the effect of missense changes on protein structure and function (PolyPhen-2) suggests that this variant is likely to be disruptive. In summary, the available evidence is currently insufficient to determine the role of this variant in disease. Therefore, it has been classified as a Variant of Uncertain Significance.

Ambry Genetics
Classification: Uncertain significance for Inborn genetic diseases. Last evaluated: 2021-11-15. Review status: criteria provided, single submitter. Criteria: Ambry Variant Classification Scheme 2023. Collection method: clinical testing. Allele origin: germline.